The following is an entry in ClinVar:

NM_020987.5(ANK3):c.9496C>T (p.Pro3166Ser)

Gene: ANK3 (ankyrin 3; minus strand). Cytogenetic location: 10q21.2.
Variant type: single nucleotide variant.
Coding change: c.9496C>T on transcript NM_020987.5 (MANE Select); coding-DNA position 9496, C replaced by T.
Protein change: p.Pro3166Ser; replaces proline 3166 with serine.
Molecular consequence: missense variant. On other transcripts: intron variant (4).
Genome position (GRCh38, 1-based): chr10:60,071,385, G>A on the plus strand (C>T on the coding strand, the complement: ANK3 is on the minus strand). VCF-style: chr10-60071385-G-A. GRCh37 (hg19) VCF-style: chr10-61831143-G-A.
Other names: c.4388-3376C>T (NM_001204403.2); c.4409-3376C>T (NM_001204404.2); c.4406-3376C>T (NM_001320874.2); c.1808-3376C>T (NM_001149.4); short protein forms P3166S.
Identifiers: ClinVar variation 3777534 (VCV003777534.2).

ClinVar aggregate classification (germline): Uncertain significance (1 of 4 stars; one submission).

gnomAD v4.1: 2 of 1,613,984 alleles (0.00012%); highest among the groups gnomAD compares: Non-Finnish European, 0.000085%; no homozygotes.

Submission:

GeneDx
Classification: Uncertain significance. Last evaluated: 2026-08-22. Review status: criteria provided, single submitter. Criteria: GeneDx Variant Classification Process June 2021. Collection method: clinical testing. Allele origin: germline.
Comment: Not observed at significant frequency in large population cohorts (gnomAD); In silico analysis supports that this missense variant has a deleterious effect on protein structure/function; Has not been previously published as pathogenic or benign to our knowledge